The following is an entry in ClinVar:

NM_000043.6(FAS):c.699C>A (p.Ile233=)

Gene: FAS (Fas cell surface death receptor; plus strand). Cytogenetic location: 10q23.31.
Variant type: single nucleotide variant.
Coding change: c.699C>A on transcript NM_000043.6 (MANE Select); coding-DNA position 699, C replaced by A.
Protein change: p.Ile233=; no amino-acid change (isoleucine 233 retained).
Molecular consequence: synonymous variant. On other transcripts: 3 prime UTR variant (2), non-coding transcript variant (7).
Genome position (GRCh38, 1-based): chr10:89,014,141, C>A. VCF-style: chr10-89014141-C-A. GRCh37 (hg19) VCF-style: chr10-90773898-C-A.
Other names: c.636C>A, p.Ile212= (NM_152871.4); c.*11C>A (NM_152872.4); c.*22C>A (NM_001320619.2); c.744C>A, p.Ile248= (NM_001410956.1).
Identifiers: ClinVar variation 4874415 (VCV004874415.2).
Genomic context (GRCh38, chr10:89,014,141, plus strand): 5'-TAGAAAAACAAATTTTCAGACTATTTTCTATTTTTCAGATGTTGACTTGAGTAAATATAT[C>A]ACCACTATTGCTGGAGTCATGACACTAAGTCAAGTTAAAGGCTTTGTTCGAAAGAATGGT-3'
Protein context (NP_000034.1, residues 223-243): NLSDVDLSKY[Ile233=]TTIAGVMTLS

ClinVar aggregate classification (germline): Likely benign (1 of 4 stars; one submission).

gnomAD v4.1: 1 of 1,613,608 alleles (0.000062%); highest among the groups gnomAD compares: South Asian, 0.0011%; no homozygotes.

Submission:

CeGaT Center for Human Genetics Tuebingen
Classification: Likely benign. Last evaluated: 2026-06-01. Review status: criteria provided, single submitter. Criteria: CeGaT Center For Human Genetics Tuebingen Variant Classification Criteria Version 2. Collection method: clinical testing. Allele origin: germline. Affected: yes. Observed: 1 variant allele.
Comment: FAS: BP4, BP7